The following is an entry in ClinVar:

NM_001378778.1(MPDZ):c.317C>T (p.Thr106Ile)

Gene: MPDZ (multiple PDZ domain crumbs cell polarity complex component; minus strand). Cytogenetic location: 9p23.
Variant type: single nucleotide variant.
Coding change: c.317C>T on transcript NM_001378778.1 (MANE Select); coding-DNA position 317, C replaced by T.
Protein change: p.Thr106Ile; replaces threonine 106 with isoleucine.
Molecular consequence: missense variant.
Genome position (GRCh38, 1-based): chr9:13,224,450, G>A on the plus strand (C>T on the coding strand, the complement: MPDZ is on the minus strand). VCF-style: chr9-13224450-G-A. GRCh37 (hg19) VCF-style: chr9-13224449-G-A.
Other names: c.317C>T, p.Thr106Ile (NM_001261406.2, NM_001261407.2, NM_001330637.2 and 14 more transcripts); short protein forms T106I.
Identifiers: ClinVar variation 2038186 (VCV002038186.4), dbSNP rs1459077735, ClinGen allele CA372948130.

ClinVar aggregate classification (germline): Uncertain significance (1 of 4 stars; one submission).

Allele frequency attached by ClinVar (database versions not stated): TOPMed below 0.00001.
gnomAD v4.1: 10 of 1,612,952 alleles (0.00062%); highest among the groups gnomAD compares: Non-Finnish European, 0.00085%; no homozygotes.

Submission:

Labcorp Genetics (formerly Invitae), Labcorp
Classification: Uncertain significance. Last evaluated: 2022-06-27. Review status: criteria provided, single submitter. Criteria: Invitae Variant Classification Sherloc (09022015). Collection method: clinical testing. Allele origin: germline.
Comment: This variant has not been reported in the literature in individuals affected with MPDZ-related conditions. In summary, the available evidence is currently insufficient to determine the role of this variant in disease. Therefore, it has been classified as a Variant of Uncertain Significance. Algorithms developed to predict the effect of missense changes on protein structure and function (SIFT, PolyPhen-2, Align-GVGD) all suggest that this variant is likely to be tolerated. This variant is present in population databases (no rsID available, gnomAD 0.0009%). This sequence change replaces threonine, which is neutral and polar, with isoleucine, which is neutral and non-polar, at codon 106 of the MPDZ protein (p.Thr106Ile).